The following is an entry in ClinVar:

NM_001184.4(ATR):c.4080A>T (p.Glu1360Asp)

Gene: ATR (ATR checkpoint kinase; minus strand). Cytogenetic location: 3q23.
Variant type: single nucleotide variant.
Coding change: c.4080A>T on transcript NM_001184.4 (MANE Select); coding-DNA position 4080, A replaced by T.
Protein change: p.Glu1360Asp; replaces glutamic acid 1360 with aspartic acid.
Molecular consequence: missense variant.
Genome position (GRCh38, 1-based): chr3:142,524,065, T>A on the plus strand (A>T on the coding strand, the complement: ATR is on the minus strand). VCF-style: chr3-142524065-T-A. GRCh37 (hg19) VCF-style: chr3-142242907-T-A.
Other names: c.3888A>T, p.Glu1296Asp (NM_001354579.2); short protein forms E1296D, E1360D.
Identifiers: ClinVar variation 1737628 (VCV001737628.2), dbSNP rs2473265318, ClinGen allele CA354802401.

ClinVar aggregate classification (germline): Uncertain significance (1 of 4 stars; one submission).

Conditions:
Inborn genetic diseases. Identifiers: MedGen C0950123, MeSH D030342.

Submission:

Ambry Genetics
Classification: Uncertain significance for Inborn genetic diseases. Last evaluated: 2021-12-10. Review status: criteria provided, single submitter. Criteria: Ambry Variant Classification Scheme 2023. Collection method: clinical testing. Allele origin: germline.
Comment: The p.E1360D variant (also known as c.4080A>T), located in coding exon 22 of the ATR gene, results from an A to T substitution at nucleotide position 4080. The glutamic acid at codon 1360 is replaced by aspartic acid, an amino acid with highly similar properties. This amino acid position is conserved. In addition, this alteration is predicted to be tolerated by in silico analysis. Since supporting evidence is limited at this time, the clinical significance of this alteration remains unclear.